The following is an entry in ClinVar:

NM_022095.4(ZNF335):c.1969C>T (p.Arg657Cys)

Gene: ZNF335 (zinc finger protein 335; minus strand). Cytogenetic location: 20q13.12.
Variant type: single nucleotide variant.
Coding change: c.1969C>T on transcript NM_022095.4 (MANE Select); coding-DNA position 1969, C replaced by T.
Protein change: p.Arg657Cys; replaces arginine 657 with cysteine.
Molecular consequence: missense variant.
Genome position (GRCh38, 1-based): chr20:45,960,259, G>A on the plus strand (C>T on the coding strand, the complement: ZNF335 is on the minus strand). VCF-style: chr20-45960259-G-A. GRCh37 (hg19) VCF-style: chr20-44588898-G-A.
Other names: short protein forms R657C.
Identifiers: ClinVar variation 2072619 (VCV002072619.4), dbSNP rs772958482, ClinGen allele CA9885536.

ClinVar aggregate classification (germline): Uncertain significance (1 of 4 stars; one submission).

Allele frequency attached by ClinVar (database versions not stated): gnomAD exomes 0.00001; ExAC 0.00002; gnomAD 0.00003; TOPMed 0.00003.

Submission:

Labcorp Genetics (formerly Invitae), Labcorp
Classification: Uncertain significance. Last evaluated: 2025-04-21. Review status: criteria provided, single submitter. Criteria: Invitae Variant Classification Sherloc (09022015). Collection method: clinical testing. Allele origin: germline.
Comment: This sequence change replaces arginine, which is basic and polar, with cysteine, which is neutral and slightly polar, at codon 657 of the ZNF335 protein (p.Arg657Cys). This variant is present in population databases (rs772958482, gnomAD 0.01%). This variant has not been reported in the literature in individuals affected with ZNF335-related conditions. ClinVar contains an entry for this variant (Variation ID: 2072619). Invitae Evidence Modeling of protein sequence and biophysical properties (such as structural, functional, and spatial information, amino acid conservation, physicochemical variation, residue mobility, and thermodynamic stability) indicates that this missense variant is not expected to disrupt ZNF335 protein function with a negative predictive value of 80%. In summary, the available evidence is currently insufficient to determine the role of this variant in disease. Therefore, it has been classified as a Variant of Uncertain Significance.